The following is an entry in ClinVar:

NM_000368.5(TSC1):c.871G>C (p.Asp291His)

Gene: TSC1 (TSC complex subunit 1; minus strand). Cytogenetic location: 9q34.13.
Variant type: single nucleotide variant.
Coding change: c.871G>C on transcript NM_000368.5 (MANE Select); coding-DNA position 871, G replaced by C.
Protein change: p.Asp291His; replaces aspartic acid 291 with histidine.
Molecular consequence: missense variant. On other transcripts: 5 prime UTR variant (5), non-coding transcript variant (5).
Genome position (GRCh38, 1-based): chr9:132,912,324, C>G on the plus strand (G>C on the coding strand, the complement: TSC1 is on the minus strand). VCF-style: chr9-132912324-C-G. GRCh37 (hg19) VCF-style: chr9-135787711-C-G.
Other names: c.871G>C, p.Asp291His (NM_001406604.1, NM_001406605.1, NM_001406606.1 and 16 more transcripts); c.718G>C, p.Asp240His (NM_001406610.1, NM_001406611.1, NM_001406612.1 and 2 more transcripts); c.508G>C, p.Asp170His (NM_001362177.2, NM_001406614.1, NM_001406615.1 and 10 more transcripts); c.-81G>C (NM_001406626.1, NM_001406627.1, NM_001406628.1); c.-223G>C (NM_001406629.1, NM_001406630.1); short protein forms D170H, D291H, D240H.
Identifiers: ClinVar variation 3462479 (VCV003462479.2).
Genomic context (GRCh38, chr9:132,912,324, plus strand): 5'-ACCAAAGACACTTTTTACCATAGCTATTCTGTGTGTCAGCATAAGGGCTGGTGGTGACAT[C>G]GGCTGAACGATGAGGAAAGCGGGCTGAGATTTGGTGAGACACAGAATAGCCATCTTCATA-3'
Protein context (NP_000359.1, residues 281-301): ISARFPHRSA[Asp291His]VTTSPYADTQ

ClinVar aggregate classification (germline): Uncertain significance (1 of 4 stars; one submission).

Conditions:
Hereditary cancer-predisposing syndrome. Also called: Hereditary neoplastic syndrome; Neoplastic Syndromes, Hereditary; Tumor predisposition; Hereditary Cancer Syndrome. Identifiers: Orphanet 140162, MedGen C0027672, MeSH D009386, MONDO:0015356.

Submission:

Ambry Genetics
Classification: Uncertain significance for Hereditary cancer-predisposing syndrome. Last evaluated: 2026-08-20. Review status: criteria provided, single submitter. Criteria: Ambry Variant Classification Scheme 2023. Collection method: clinical testing. Allele origin: germline.
Comment: The p.D291H variant (also known as c.871G>C), located in coding exon 7 of the TSC1 gene, results from a G to C substitution at nucleotide position 871. The aspartic acid at codon 291 is replaced by histidine, an amino acid with similar properties. This amino acid position is highly conserved in available vertebrate species. In addition, this alteration is predicted to be deleterious by in silico analysis. Based on the available evidence, the clinical significance of this variant remains unclear.